The following is an entry in ClinVar:

NM_001376.5(DYNC1H1):c.1655G>C (p.Arg552Thr)

Gene: DYNC1H1 (dynein cytoplasmic 1 heavy chain 1; plus strand). Cytogenetic location: 14q32.31.
Variant type: single nucleotide variant.
Coding change: c.1655G>C on transcript NM_001376.5 (MANE Select); coding-DNA position 1655, G replaced by C.
Protein change: p.Arg552Thr; replaces arginine 552 with threonine.
Molecular consequence: missense variant.
Genome position (GRCh38, 1-based): chr14:101,985,880, G>C. VCF-style: chr14-101985880-G-C. GRCh37 (hg19) VCF-style: chr14-102452217-G-C.
Other names: short protein forms R552T.
Identifiers: ClinVar variation 2570890 (VCV002570890.27), dbSNP rs2503693487, ClinGen allele CA391018882.

ClinVar aggregate classification (germline): Uncertain significance (1 of 4 stars; one submission).

Submission:

CeGaT Center for Human Genetics Tuebingen
Classification: Uncertain significance. Last evaluated: 2023-06-01. Review status: criteria provided, single submitter. Criteria: CeGaT Center For Human Genetics Tuebingen Variant Classification Criteria Version 2. Collection method: clinical testing. Allele origin: germline. Affected: yes. Observed: 1 variant allele.
Comment: DYNC1H1: PM2, PP2